The following is an entry in ClinVar:

ClinVar aggregate classification (germline): Uncertain significance (1 of 4 stars; one submission).

Conditions:
CHARGE syndrome (CHARGE). Also called: Hittner Hirsch Kreh syndrome; Coloboma, heart anomaly, choanal atresia, retardation, genital and ear anomalies; CHARGE association; Hall-Hittner syndrome; CHARGE ASSOCIATION--COLOBOMA, HEART ANOMALY, CHOANAL ATRESIA, RETARDATION, GENITAL AND EAR ANOMALIES. Identifiers: Orphanet 138, MedGen C0265354, MONDO:0008965.

Submission:

Labcorp Genetics (formerly Invitae), Labcorp
Classification: Uncertain significance for CHARGE syndrome. Last evaluated: 2020-03-10. Review status: criteria provided, single submitter. Criteria: Invitae Variant Classification Sherloc (09022015). Collection method: clinical testing. Allele origin: germline.
Comment: This variant, c.3237_3238insTAC, results in the insertion of 1 amino acid(s) to the CHD7 protein (p.Ala1079_Ile1080insTyr), but otherwise preserves the integrity of the reading frame. This variant is not present in population databases (ExAC no frequency). This variant has been observed in individual(s) affected with clinical features of CHARGE syndrome (Invitae). Experimental studies and prediction algorithms are not available or were not evaluated, and the functional significance of this variant is currently unknown. In summary, the available evidence is currently insufficient to determine the role of this variant in disease. Therefore, it has been classified as a Variant of Uncertain Significance.

NM_017780.4(CHD7):c.3237_3238insTAC (p.Ala1079_Ile1080insTyr)

Gene: CHD7 (chromodomain helicase DNA binding protein 7; plus strand). Cytogenetic location: 8q12.2.
Variant type: Insertion.
Coding change: c.3237_3238insTAC on transcript NM_017780.4 (MANE Select); coding-DNA positions 3237 to 3238, TAC inserted.
Protein change: p.Ala1079_Ile1080insTyr.
Molecular consequence: inframe insertion. On other transcripts: intron variant (1).
Genome position: GRCh38 VCF-style: chr8-60823874-C-CCTA. GRCh37 (hg19) VCF-style: chr8-61736433-C-CCTA.
Other names: c.1717-38354_1717-38353insTAC (NM_001316690.1).
Identifiers: ClinVar variation 1002588 (VCV001002588.8), dbSNP rs1804153900, ClinGen allele CA1788087308.
Genomic context (GRCh38, chr8:60,823,874, plus strand): 5'-ATAATAATTCAGAGTTGTTCTTATAGGGTCGAGTGATAAAGGGGTCCTATAAGTTTCATG[C>CCTA]CATCATCACTACATTTGAGATGATTTTGACTGATTGTCCTGAGCTGCGGAATATTCCATG-3'